The following is an entry in ClinVar:

NM_007294.4(BRCA1):c.3398T>G (p.Leu1133Ter)

Genes: BRCA1 (BRCA1 DNA repair associated; minus strand), LOC126862571 (BRD4-independent group 4 enhancer GRCh37_chr17:41243136-41244335; plus strand). Cytogenetic location: 17q21.31.
Variant type: single nucleotide variant.
Coding change: c.3398T>G on transcript NM_007294.4 (MANE Select); coding-DNA position 3398, T replaced by G.
Protein change: p.Leu1133Ter; replaces leucine 1133 with a stop codon.
Molecular consequence: nonsense. On other transcripts: intron variant (135).
Genome position (GRCh38, 1-based): chr17:43,092,133, A>C on the plus strand (T>G on the coding strand, the complement: BRCA1 is on the minus strand). VCF-style: chr17-43092133-A-C. GRCh37 (hg19) VCF-style: chr17-41244150-A-C.
Other names: c.3272T>G, p.Leu1091Ter (NM_001407649.1, NM_001407670.1, NM_001407671.1 and 11 more transcripts); c.3398T>G, p.Leu1133Ter (NM_001407652.1, NM_001407684.1, NM_001407854.1 and 30 more transcripts); c.3320T>G, p.Leu1107Ter (NM_001407653.1, NM_001407654.1, NM_001407655.1 and 4 more transcripts); c.3317T>G, p.Leu1106Ter (NM_001407659.1, NM_001407660.1, NM_001407661.1 and 1 more transcripts); c.3275T>G, p.Leu1092Ter (NM_001407664.1, NM_001407665.1, NM_001407666.1 and 19 more transcripts); c.3257T>G, p.Leu1086Ter (NM_001407692.1, NM_001407694.1, NM_001407695.1 and 29 more transcripts); c.3254T>G, p.Leu1085Ter (NM_001407740.1, NM_001407741.1, NM_001407742.1 and 20 more transcripts); c.3185T>G, p.Leu1062Ter (NM_001407853.1, NM_001407894.1, NM_001407895.1 and 9 more transcripts); and 41 more; short protein forms L1133*, L1086*, L1006*, L1045*, L1063*, L1066*, L1091*, L1107*.
Identifiers: ClinVar variation 54867 (VCV000054867.14), dbSNP rs80356971, ClinGen allele CA002197.

ClinVar aggregate classification (germline): Pathogenic. Review status: reviewed by expert panel (3 of 4 stars). 4 submissions from 4 submitters: Pathogenic (1). 3 of the submissions do not count toward it. Last evaluated 2016-09-08.

Conditions:
Hereditary breast ovarian cancer syndrome. Also called: Hereditary breast and ovarian cancer syndrome (HBOC); Hereditary breast and ovarian cancer syndrome; Hereditary breast and ovarian cancer; Hereditary breast and/or ovarian cancer syndrome; Breast and ovarian cancer; BRCA1- and BRCA2-Associated Hereditary Breast and Ovarian Cancer. Identifiers: Orphanet 145, MedGen C0677776, MeSH D061325, MONDO:0003582. Disease mechanism: loss of function.
Breast-ovarian cancer, familial, susceptibility to, 1 (BROVCA1). Also called: OVARIAN CANCER, SUSCEPTIBILITY TO; BRCA1 Hereditary Breast and Ovarian Cancer. Identifiers: Orphanet 145, MedGen C2676676, MONDO:0011450, OMIM 604370. Disease mechanism: loss of function.

Submissions (4):

Evidence-based Network for the Interpretation of Germline Mutant Alleles (ENIGMA)
Classification: Pathogenic for Breast-ovarian cancer, familial, susceptibility to, 1. Last evaluated: 2016-09-08. Review status: reviewed by expert panel. Criteria: ENIGMA BRCA1/2 Classification Criteria (2015). Collection method: curation. Allele origin: germline.
Comment: Variant allele predicted to encode a truncated non-functional protein.

Labcorp Genetics (formerly Invitae), Labcorp
Classification: Pathogenic for Hereditary breast ovarian cancer syndrome. Last evaluated: 2025-08-18. Review status: criteria provided, single submitter. Criteria: Invitae Variant Classification Sherloc (09022015). Collection method: clinical testing. Allele origin: germline. Not counted in ClinVar's aggregate classification.
Comment: This sequence change creates a premature translational stop signal (p.Leu1133*) in the BRCA1 gene. It is expected to result in an absent or disrupted protein product. Loss-of-function variants in BRCA1 are known to be pathogenic (PMID: 20104584). This variant is not present in population databases (gnomAD no frequency). This premature translational stop signal has been observed in individual(s) with a personal and/or family history of breast and/or ovarian cancer (PMID: 16287141, 29446198). ClinVar contains an entry for this variant (Variation ID: 54867). Algorithms developed to predict the effect of sequence changes on RNA splicing suggest that this variant may create or strengthen a splice site. For these reasons, this variant has been classified as Pathogenic.

Consortium of Investigators of Modifiers of BRCA1/2 (CIMBA), c/o University of Cambridge
Classification: Pathogenic for Breast-ovarian cancer, familial, susceptibility to, 1. Last evaluated: 2015-10-02. Review status: criteria provided, single submitter. Criteria: CIMBA Mutation Classification guidelines May 2016. Collection method: clinical testing. Allele origin: germline. Not counted in ClinVar's aggregate classification.

Institute of Human Genetics, Medical University Innsbruck
Classification: Pathogenic for Breast-ovarian cancer, familial 1. Last evaluated: 2015-02-11. Review status: no assertion criteria provided. Criteria: clinical testing. Collection method: clinical testing. Allele origin: germline. Affected: yes. Observed: 2 variant alleles. Study: BRCA-Tyrol. Not counted in ClinVar's aggregate classification.
Comment: BRCA-mutation spectrum Western Austria

Literature cited by the submitters: PubMed 20104584 (cited by Labcorp Genetics (formerly Invitae), Labcorp); PubMed 16287141 (cited by Labcorp Genetics (formerly Invitae), Labcorp); PubMed 29446198 (cited by Labcorp Genetics (formerly Invitae), Labcorp).